The following is an entry in ClinVar:

NM_006648.4(WNK2):c.5791C>A (p.Pro1931Thr)

Gene: WNK2 (WNK lysine deficient protein kinase 2; plus strand). Cytogenetic location: 9q22.31.
Variant type: single nucleotide variant.
Coding change: c.5791C>A on transcript NM_006648.4 (MANE Select); coding-DNA position 5791, C replaced by A.
Protein change: p.Pro1931Thr; replaces proline 1931 with threonine.
Molecular consequence: missense variant.
Genome position (GRCh38, 1-based): chr9:93,297,935, C>A. VCF-style: chr9-93297935-C-A. GRCh37 (hg19) VCF-style: chr9-96060217-C-A.
Other names: c.5902C>A, p.Pro1968Thr (NM_001282394.3); short protein forms P1968T, P1931T.
Identifiers: ClinVar variation 3470604 (VCV003470604.1).

ClinVar aggregate classification (germline): Uncertain significance (1 of 4 stars; one submission).

gnomAD v4.1: 9 of 1,589,126 alleles (0.00057%); highest among the groups gnomAD compares: Non-Finnish European, 0.00077%; no homozygotes.

Submission:

Ambry Genetics
Classification: Uncertain significance. Last evaluated: 2024-12-06. Review status: criteria provided, single submitter. Criteria: Ambry Variant Classification Scheme 2023. Collection method: clinical testing. Allele origin: germline.
Comment: The p.P1931T variant (also known as c.5791C>A), located in coding exon 23 of the WNK2 gene, results from a C to A substitution at nucleotide position 5791. The proline at codon 1931 is replaced by threonine, an amino acid with highly similar properties. This amino acid position is conserved. In addition, this alteration is predicted to be deleterious by in silico analysis. Based on the available evidence, the clinical significance of this variant remains unclear.